The following is an entry in ClinVar:

NM_004415.4(DSP):c.1067C>T (p.Thr356Met)

Gene: DSP (desmoplakin; plus strand). Cytogenetic location: 6p24.3.
Variant type: single nucleotide variant.
Coding change: c.1067C>T on transcript NM_004415.4 (MANE Select); coding-DNA position 1067, C replaced by T.
Protein change: p.Thr356Met; replaces threonine 356 with methionine.
Molecular consequence: missense variant.
Genome position (GRCh38, 1-based): chr6:7,567,376, C>T. VCF-style: chr6-7567376-C-T. GRCh37 (hg19) VCF-style: chr6-7567609-C-T.
Other names: p.Thr356Met; c.1067C>T (LRG_423t1); c.1067C>T, p.Thr356Met (NM_001008844.3, NM_001319034.2); short protein forms T356M.
Identifiers: ClinVar variation 565457 (VCV000565457.22), dbSNP rs780626687, ClinGen allele CA026911.
Genomic context (GRCh38, chr6:7,567,376, plus strand): 5'-TGAGCTAGGCTAAGACAGCTGACATTTTCTTGTTTCAGGCCTATATGGACACTCTGCAGA[C>T]GCAGTGGAGTTGGATTCTTCAGATCACCAAGTGCATTGATGTTCATCTGAAAGAAAATGC-3'
Protein context (NP_004406.2, residues 346-366): KIEAYMDTLQ[Thr356Met]QWSWILQITK

ClinVar aggregate classification (germline): Conflicting classifications of pathogenicity. Review status: criteria provided, conflicting classifications (1 of 4 stars). 6 submissions from 6 submitters: Uncertain significance (5); Likely benign (1). Last evaluated 2026-02-01.

Conditions:
Lethal acantholytic epidermolysis bullosa (EBLA). Identifiers: Orphanet 158687, MedGen C1864826, MONDO:0012323, OMIM 609638.
Keratosis palmoplantaris striata 2. Also called: Keratosis palmoplantaris striata II; KERATODERMA, PALMOPLANTAR, STRIATE FORM II; STRIATE PALMOPLANTAR KERATODERMA II. Identifiers: MedGen C1852127, MONDO:0013034, OMIM 612908.
Arrhythmogenic right ventricular dysplasia 8 (ARVD8). Also called: Arrhythmogenic Right Ventricular Dysplasia/Cardiomyopathy 8; ARRHYTHMOGENIC RIGHT VENTRICULAR DYSPLASIA, FAMILIAL, 8; ARRHYTHMOGENIC RIGHT VENTRICULAR CARDIOMYOPATHY 8. Identifiers: MedGen C1843896, MONDO:0011831, OMIM 607450.
Woolly hair-skin fragility syndrome (WHSF). Identifiers: Orphanet 293165, MedGen C1843292, MONDO:0957307, OMIM 620415.
Arrhythmogenic cardiomyopathy with wooly hair and keratoderma. Also called: PALMOPLANTAR KERATODERMA WITH LEFT VENTRICULAR CARDIOMYOPATHY AND WOOLLY HAIR; Carvajal syndrome; Dilated cardiomyopathy with woolly hair and keratoderma; Arrhythmogenic cardiomyopathy with woolly hair and keratoderma. Identifiers: Orphanet 65282, MedGen C1854063, MONDO:0011581, OMIM 605676.
Cardiomyopathy, dilated, with wooly hair, keratoderma, and tooth agenesis. Also called: Cardiomyopathy, dilated, with woolly hair, keratoderma, and tooth agenesis; Erythrokeratodermia-cardiomyopathy syndrome. Identifiers: Orphanet 476096, Orphanet 65282, MedGen C4014393, MONDO:0014355, OMIM 615821.
Cardiomyopathy (CMYO). Also called: Cardiomyopathies. Identifiers: Orphanet 167848, MedGen C0878544, MONDO:0004994, HP:0001638. Inheritance: Various modes of inheritance.
Cardiovascular phenotype. Identifiers: MedGen CN230736.

Allele frequency attached by ClinVar (database versions not stated): ExAC 0.00001; TOPMed 0.00001.
gnomAD v4.1: 33 of 1,613,860 alleles (0.002%); highest among the groups gnomAD compares: Non-Finnish European, 0.0025%; no homozygotes.

Submissions (6):

Labcorp Genetics (formerly Invitae), Labcorp
Classification: Likely benign for Arrhythmogenic cardiomyopathy with wooly hair and keratoderma; Arrhythmogenic right ventricular dysplasia 8. Last evaluated: 2026-02-01. Review status: criteria provided, single submitter. Criteria: Invitae Variant Classification Sherloc (09022015). Collection method: clinical testing. Allele origin: germline.

Mayo Clinic Laboratories, Mayo Clinic
Classification: Uncertain significance. Last evaluated: 2025-09-25. Review status: criteria provided, single submitter. Criteria: ACMG Guidelines, 2015. Collection method: clinical testing. Allele origin: germline. Observed: 1 variant allele.
Comment: PP3, PM2_supporting, PS4_supporting

Ambry Genetics
Classification: Uncertain significance for Cardiovascular phenotype. Last evaluated: 2025-06-30. Review status: criteria provided, single submitter. Criteria: Ambry Variant Classification Scheme 2023. Collection method: clinical testing. Allele origin: germline.

All of Us Research Program, National Institutes of Health
Classification: Uncertain significance for Arrhythmogenic cardiomyopathy with wooly hair and keratoderma. Last evaluated: 2024-07-10. Review status: criteria provided, single submitter. Criteria: ACMG Guidelines, 2015. Collection method: clinical testing. Allele origin: germline. Inheritance: Autosomal dominant inheritance. Observed: 6 variant alleles, 6 heterozygotes.
Comment: This missense variant replaces threonine with methionine at codon 356 of the DSP protein. Computational prediction suggests that this variant may have deleterious impact on protein structure and function (internally defined REVEL score threshold >= 0.7, PMID: 27666373). To our knowledge, functional studies have not been reported for this variant. This variant has been reported in two unrelated individuals affected with arrhythmogenic cardiomyopathy (PMID: 36431211, 37936624), in two homozygous siblings affected with dilated cardiomyopathy, and in their consanguineous parents who were unaffected heterozygotes (PMID: 36672924). This variant has been identified in 3/251198 chromosomes in the general population by the Genome Aggregation Database (gnomAD). The available evidence is insufficient to determine the role of this variant in disease conclusively. Therefore, this variant is classified as a Variant of Uncertain Significance.

This study involves interpretation of variants in research participants for the purpose of population health screening. Participant phenotype was not available at the time of variant classification. Additional details can be found in publication PMID: 35346344, PMCID: PMC8962531

Color Diagnostics, LLC DBA Color Health
Classification: Uncertain significance for Cardiomyopathy. Last evaluated: 2024-06-20. Review status: criteria provided, single submitter. Criteria: ACMG Guidelines, 2015. Collection method: clinical testing. Allele origin: germline.
Comment: This missense variant replaces threonine with methionine at codon 356 of the DSP protein. Computational prediction suggests that this variant may have deleterious impact on protein structure and function (internally defined REVEL score threshold >= 0.7, PMID: 27666373). To our knowledge, functional studies have not been reported for this variant. This variant has been reported in two unrelated individuals affected with arrhythmogenic cardiomyopathy (PMID: 36431211, 37936624), in two homozygous siblings affected with dilated cardiomyopathy, and in their consanguineous parents who were unaffected heterozygotes (PMID: 36672924). This variant has been identified in 3/251198 chromosomes in the general population by the Genome Aggregation Database (gnomAD). The available evidence is insufficient to determine the role of this variant in disease conclusively. Therefore, this variant is classified as a Variant of Uncertain Significance.

Fulgent Genetics
Classification: Uncertain significance for Arrhythmogenic cardiomyopathy with wooly hair and keratoderma; Arrhythmogenic right ventricular dysplasia 8; Lethal acantholytic epidermolysis bullosa; Keratosis palmoplantaris striata 2; Cardiomyopathy, dilated, with wooly hair, keratoderma, and tooth agenesis. Last evaluated: 2021-07-26. Review status: criteria provided, single submitter. Criteria: ACMG Guidelines, 2015. Collection method: clinical testing. Allele origin: unknown.

Literature cited by the submitters: PubMed 21636032 (cited by Mayo Clinic Laboratories, Mayo Clinic); PubMed 31737537 (cited by Mayo Clinic Laboratories, Mayo Clinic); PubMed 35352813 (cited by Mayo Clinic Laboratories, Mayo Clinic); PubMed 36431211 (cited by 3 submitters); PubMed 36672924 (cited by 3 submitters); PubMed 37936624 (cited by 3 submitters).